The following is an entry in ClinVar:

ClinVar aggregate classification (germline): Uncertain significance (1 of 4 stars; one submission).

Allele frequency attached by ClinVar (database versions not stated): gnomAD exomes below 0.00001; gnomAD 0.00001; TOPMed 0.00002.
gnomAD v4.1: 3 of 1,590,620 alleles (0.00019%); highest among the groups gnomAD compares: African/African-American, 0.0027%; no homozygotes.

Submission:

Labcorp Genetics (formerly Invitae), Labcorp
Classification: Uncertain significance. Last evaluated: 2022-03-07. Review status: criteria provided, single submitter. Criteria: Invitae Variant Classification Sherloc (09022015). Collection method: clinical testing. Allele origin: germline.
Comment: In summary, the available evidence is currently insufficient to determine the role of this variant in disease. Therefore, it has been classified as a Variant of Uncertain Significance. Algorithms developed to predict the effect of missense changes on protein structure and function (SIFT, PolyPhen-2, Align-GVGD) all suggest that this variant is likely to be tolerated. This variant has not been reported in the literature in individuals affected with MYSM1-related conditions. This variant is not present in population databases (gnomAD no frequency). This sequence change replaces lysine, which is basic and polar, with arginine, which is basic and polar, at codon 783 of the MYSM1 protein (p.Lys783Arg).

NM_001085487.3(MYSM1):c.2348A>G (p.Lys783Arg)

Gene: MYSM1 (Myb like, SWIRM and MPN domains 1; minus strand). Cytogenetic location: 1p32.1.
Variant type: single nucleotide variant.
Coding change: c.2348A>G on transcript NM_001085487.3 (MANE Select); coding-DNA position 2348, A replaced by G.
Protein change: p.Lys783Arg; replaces lysine 783 with arginine.
Molecular consequence: missense variant.
Genome position (GRCh38, 1-based): chr1:58,660,136, T>C on the plus strand (A>G on the coding strand, the complement: MYSM1 is on the minus strand). VCF-style: chr1-58660136-T-C. GRCh37 (hg19) VCF-style: chr1-59125808-T-C.
Other names: short protein forms K783R.
Identifiers: ClinVar variation 1346418 (VCV001346418.8), dbSNP rs1264046177, ClinGen allele CA340517690.